The following is an entry in ClinVar:

ClinVar aggregate classification (germline): Uncertain significance. Review status: criteria provided, multiple submitters, no conflicts (2 of 4 stars). 2 submissions from 2 submitters: Uncertain significance (2). Last evaluated 2022-03-11.

Allele frequency attached by ClinVar (database versions not stated): gnomAD exomes below 0.00001; gnomAD 0.00001; TOPMed 0.00001.
gnomAD v4.1: 7 of 1,558,900 alleles (0.00045%); highest among the groups gnomAD compares: African/African-American, 0.0027%; no homozygotes.

Submissions (2):

Labcorp Genetics (formerly Invitae), Labcorp
Classification: Uncertain significance. Last evaluated: 2022-03-11. Review status: criteria provided, single submitter. Criteria: Invitae Variant Classification Sherloc (09022015). Collection method: clinical testing. Allele origin: germline.
Comment: This sequence change replaces alanine, which is neutral and non-polar, with valine, which is neutral and non-polar, at codon 845 of the ZNF341 protein (p.Ala845Val). This variant is not present in population databases (gnomAD no frequency). This variant has not been reported in the literature in individuals affected with ZNF341-related conditions. Algorithms developed to predict the effect of missense changes on protein structure and function (SIFT, PolyPhen-2, Align-GVGD) all suggest that this variant is likely to be tolerated. In summary, the available evidence is currently insufficient to determine the role of this variant in disease. Therefore, it has been classified as a Variant of Uncertain Significance.

Blueprint Genetics
Classification: Uncertain significance. Last evaluated: 2021-07-20. Review status: criteria provided, single submitter. Criteria: ACMG Guidelines, 2015. Collection method: clinical testing. Allele origin: germline.

NM_001282933.2(ZNF341):c.2555C>T (p.Ala852Val)

Genes: ZNF341 (zinc finger protein 341; plus strand), ZNF341-AS1 (ZNF341 antisense RNA 1; minus strand). Cytogenetic location: 20q11.22.
Variant type: single nucleotide variant.
Coding change: c.2555C>T on transcript NM_001282933.2 (MANE Select); coding-DNA position 2555, C replaced by T.
Protein change: p.Ala852Val; replaces alanine 852 with valine.
Molecular consequence: missense variant. On other transcripts: non-coding transcript variant (1).
Genome position (GRCh38, 1-based): chr20:33,791,507, C>T. VCF-style: chr20-33791507-C-T. GRCh37 (hg19) VCF-style: chr20-32379313-C-T.
Other names: c.2285C>T, p.Ala762Val (NM_001282935.2); c.2534C>T, p.Ala845Val (NM_032819.5); short protein forms A852V, A762V, A845V.
Identifiers: ClinVar variation 1949775 (VCV001949775.3), dbSNP rs1317767652, ClinGen allele CA408643134.
Genomic context (GRCh38, chr20:33,791,507, plus strand): 5'-AGCTGCAGGCTGGGGCCGAGGGCCCATGTGCCATGCTCGCTGTGCCCGTCTACATCCAGG[C>T]CTCCGAGTGACGGACCTGAGGTGTCTGTTTCCTGGGCAGGCCTGATGCTCCTGTTTGGGT-3'
Protein context (NP_001269862.1, residues 842-854): AMLAVPVYIQ[Ala852Val]SE